The following is an entry in ClinVar:

ClinVar aggregate classification (germline): Likely pathogenic (1 of 4 stars; one submission).

Submission:

GeneDx
Classification: Likely pathogenic. Last evaluated: 2022-08-25. Review status: criteria provided, single submitter. Criteria: GeneDx Variant Classification Process June 2021. Collection method: clinical testing. Allele origin: germline. Affected: yes.
Comment: Not observed at significant frequency in large population cohorts (gnomAD); In silico analysis supports that this missense variant has a deleterious effect on protein structure/function; This variant is associated with the following publications: (PMID: 34748075)

NM_001303052.2(MYT1L):c.625G>C (p.Gly209Arg)

Gene: MYT1L (myelin transcription factor 1 like; minus strand). Cytogenetic location: 2p25.3.
Variant type: single nucleotide variant.
Coding change: c.625G>C on transcript NM_001303052.2 (MANE Select); coding-DNA position 625, G replaced by C.
Protein change: p.Gly209Arg; replaces glycine 209 with arginine.
Molecular consequence: missense variant.
Genome position (GRCh38, 1-based): chr2:1,923,144, C>G on the plus strand (G>C on the coding strand, the complement: MYT1L is on the minus strand). VCF-style: chr2-1923144-C-G. GRCh37 (hg19) VCF-style: chr2-1926916-C-G.
Other names: c.625G>C, p.Gly209Arg (NM_001329844.2, NM_001329845.1, NM_001329846.3 and 6 more transcripts); short protein forms G209R.
Identifiers: ClinVar variation 2430803 (VCV002430803.1), dbSNP rs2149110239, ClinGen allele CA345707401.